The following is an entry in ClinVar:

NM_032043.3(BRIP1):c.475A>G (p.Lys159Glu)

Gene: BRIP1 (BRCA1 interacting DNA helicase 1; minus strand). Cytogenetic location: 17q23.2.
Variant type: single nucleotide variant.
Coding change: c.475A>G on transcript NM_032043.3 (MANE Select); coding-DNA position 475, A replaced by G.
Protein change: p.Lys159Glu; replaces lysine 159 with glutamic acid.
Molecular consequence: missense variant.
Genome position (GRCh38, 1-based): chr17:61,849,161, T>C on the plus strand (A>G on the coding strand, the complement: BRIP1 is on the minus strand). VCF-style: chr17-61849161-T-C. GRCh37 (hg19) VCF-style: chr17-59926522-T-C.
Other names: short protein forms K159E.
Identifiers: ClinVar variation 968638 (VCV000968638.9), dbSNP rs2078778116, ClinGen allele CA400484409.

ClinVar aggregate classification (germline): Uncertain significance. Review status: criteria provided, multiple submitters, no conflicts (2 of 4 stars). 2 submissions from 2 submitters: Uncertain significance (2). Last evaluated 2025-12-29.

Conditions:
Fanconi anemia complementation group J. Also called: BRIP1-Related Fanconi Anemia. Identifiers: Orphanet 84, MedGen C1836860, MONDO:0012187, OMIM 609054.
Familial cancer of breast. Also called: BREAST CANCER, FAMILIAL; Hereditary breast cancer; hereditary breast carcinoma. Identifiers: Orphanet 227535, MedGen C0346153, MONDO:0016419, OMIM 114480. Disease mechanism: loss of function.

Submissions (2):

Center for Genomic Medicine, Rigshospitalet, Copenhagen University Hospital
Classification: Uncertain significance. Last evaluated: 2025-12-29. Review status: criteria provided, single submitter. Criteria: ACMG Guidelines, 2015. Collection method: clinical testing. Allele origin: germline.

Labcorp Genetics (formerly Invitae), Labcorp
Classification: Uncertain significance for Familial cancer of breast; Fanconi anemia complementation group J. Last evaluated: 2025-12-03. Review status: criteria provided, single submitter. Criteria: Invitae Variant Classification Sherloc (09022015). Collection method: clinical testing. Allele origin: germline.
Comment: This sequence change replaces lysine, which is basic and polar, with glutamic acid, which is acidic and polar, at codon 159 of the BRIP1 protein (p.Lys159Glu). This variant is not present in population databases (gnomAD no frequency). This variant has not been reported in the literature in individuals affected with BRIP1-related conditions. ClinVar contains an entry for this variant (Variation ID: 968638). Invitae Evidence Modeling of protein sequence and biophysical properties (such as structural, functional, and spatial information, amino acid conservation, physicochemical variation, residue mobility, and thermodynamic stability) has been performed for this missense variant. However, the output from this modeling did not meet the statistical confidence thresholds required to predict the impact of this variant on BRIP1 protein function. In summary, the available evidence is currently insufficient to determine the role of this variant in disease. Therefore, it has been classified as a Variant of Uncertain Significance.